The following is an entry in ClinVar:

NM_004563.4(PCK2):c.383G>A (p.Arg128His)

Genes: NRL (neural retina leucine zipper; minus strand), PCK2 (phosphoenolpyruvate carboxykinase 2, mitochondrial; plus strand). Cytogenetic location: 14q11.2.
Variant type: single nucleotide variant.
Coding change: c.383G>A on transcript NM_004563.4 (MANE Select); coding-DNA position 383, G replaced by A.
Protein change: p.Arg128His; replaces arginine 128 with histidine.
Molecular consequence: missense variant. On other transcripts: 5 prime UTR variant (2), intron variant (3).
Genome position (GRCh38, 1-based): chr14:24,098,310, G>A. VCF-style: chr14-24098310-G-A. GRCh37 (hg19) VCF-style: chr14-24567519-G-A.
Other names: c.383G>A, p.Arg128His (NM_001018073.3); c.-20G>A (NM_001291556.2, NM_001308054.2); c.-27-15435C>T (NM_001354768.3, NM_001354770.2); c.-253-13565C>T (NM_006177.5); short protein forms R128H.
Identifiers: ClinVar variation 2152773 (VCV002152773.6), dbSNP rs148474149, ClinGen allele CA7123109.

ClinVar aggregate classification (germline): Uncertain significance. Review status: criteria provided, multiple submitters, no conflicts (2 of 4 stars). 2 submissions from 2 submitters: Uncertain significance (2). Last evaluated 2025-12-15.

Allele frequency attached by ClinVar (database versions not stated): TOPMed 0.00008; ExAC 0.00004; gnomAD 0.00006; ESP Exome Variant Server 0.00008.
gnomAD v4.1: 90 of 1,613,988 alleles (0.0056%); highest among the groups gnomAD compares: East Asian, 0.02%; 1 homozygote.

Submissions (2):

Ambry Genetics
Classification: Uncertain significance. Last evaluated: 2025-12-15. Review status: criteria provided, single submitter. Criteria: Ambry Variant Classification Scheme 2023. Collection method: clinical testing. Allele origin: germline.

Labcorp Genetics (formerly Invitae), Labcorp
Classification: Uncertain significance. Last evaluated: 2022-06-29. Review status: criteria provided, single submitter. Criteria: Invitae Variant Classification Sherloc (09022015). Collection method: clinical testing. Allele origin: germline.
Comment: In summary, the available evidence is currently insufficient to determine the role of this variant in disease. Therefore, it has been classified as a Variant of Uncertain Significance. This sequence change replaces arginine, which is basic and polar, with histidine, which is basic and polar, at codon 128 of the PCK2 protein (p.Arg128His). This variant is present in population databases (rs148474149, gnomAD 0.03%). This variant has not been reported in the literature in individuals affected with PCK2-related conditions. Algorithms developed to predict the effect of missense changes on protein structure and function are either unavailable or do not agree on the potential impact of this missense change (SIFT: "Deleterious"; PolyPhen-2: "Benign"; Align-GVGD: "Class C0").